The following is an entry in ClinVar:

NM_139319.3(SLC17A8):c.737G>C (p.Gly246Ala)

Gene: SLC17A8 (solute carrier family 17 member 8; plus strand). Cytogenetic location: 12q23.1.
Variant type: single nucleotide variant.
Coding change: c.737G>C on transcript NM_139319.3 (MANE Select); coding-DNA position 737, G replaced by C.
Protein change: p.Gly246Ala; replaces glycine 246 with alanine.
Molecular consequence: missense variant.
Genome position (GRCh38, 1-based): chr12:100,401,837, G>C. VCF-style: chr12-100401837-G-C. GRCh37 (hg19) VCF-style: chr12-100795615-G-C.
Other names: c.737G>C, p.Gly246Ala (NM_001145288.2); short protein forms G246A.
Identifiers: ClinVar variation 1338949 (VCV001338949.5), dbSNP rs11568543, ClinGen allele CA6738836.
Genomic context (GRCh38, chr12:100,401,837, plus strand): 5'-GTTCCTATGCAGGGGCAGTGGTTGCCATGCCCCTGGCTGGGGTGTTGGTGCAGTACATTG[G>C]ATGGTCCTCTGTCTTTTATATTTATGGTGAGTGATTTGACTTCACAAGTTCACATGTGAC-3'
Protein context (NP_647480.1, residues 236-256): PLAGVLVQYI[Gly246Ala]WSSVFYIYGM

ClinVar aggregate classification (germline): Uncertain significance. Review status: criteria provided, multiple submitters, no conflicts (2 of 4 stars). 2 submissions from 2 submitters: Uncertain significance (2). Last evaluated 2023-10-30.

Allele frequency attached by ClinVar (database versions not stated): 1000 Genomes Project 30x 0.00016.
gnomAD v4.1: 3 of 1,613,958 alleles (0.00019%); highest among the groups gnomAD compares: East Asian, 0.0067%; no homozygotes.

Submissions (2):

Labcorp Genetics (formerly Invitae), Labcorp
Classification: Uncertain significance. Last evaluated: 2023-10-30. Review status: criteria provided, single submitter. Criteria: Invitae Variant Classification Sherloc (09022015). Collection method: clinical testing. Allele origin: germline.
Comment: This sequence change replaces glycine, which is neutral and non-polar, with alanine, which is neutral and non-polar, at codon 246 of the SLC17A8 protein (p.Gly246Ala). This variant is present in population databases (rs11568543, gnomAD 0.02%). This variant has not been reported in the literature in individuals affected with SLC17A8-related conditions. ClinVar contains an entry for this variant (Variation ID: 1338949). Advanced modeling of protein sequence and biophysical properties (such as structural, functional, and spatial information, amino acid conservation, physicochemical variation, residue mobility, and thermodynamic stability) has been performed at Invitae for this missense variant, however the output from this modeling did not meet the statistical confidence thresholds required to predict the impact of this variant on SLC17A8 protein function. In summary, the available evidence is currently insufficient to determine the role of this variant in disease. Therefore, it has been classified as a Variant of Uncertain Significance.

GeneDx
Classification: Uncertain significance. Last evaluated: 2022-01-31. Review status: criteria provided, single submitter. Criteria: GeneDx Variant Classification Process June 2021. Collection method: clinical testing. Allele origin: germline. Affected: yes.
Comment: In silico analysis supports that this missense variant has a deleterious effect on protein structure/function; Has not been previously published as pathogenic or benign to our knowledge